The following is an entry in ClinVar:

NM_203408.4(FAM47A):c.949C>T (p.Pro317Ser)

Gene: FAM47A (family with sequence similarity 47 member A; minus strand). Cytogenetic location: Xp21.1.
Variant type: single nucleotide variant.
Coding change: c.949C>T on transcript NM_203408.4 (MANE Select); coding-DNA position 949, C replaced by T.
Protein change: p.Pro317Ser; replaces proline 317 with serine.
Molecular consequence: missense variant.
Genome position (GRCh38, 1-based): chrX:34,131,330, G>A on the plus strand (C>T on the coding strand, the complement: FAM47A is on the minus strand). VCF-style: chrX-34131330-G-A. GRCh37 (hg19) VCF-style: chrX-34149447-G-A.
Other names: short protein forms P317S.
Identifiers: ClinVar variation 4666746 (VCV004666746.1).

ClinVar aggregate classification (germline): Uncertain significance (1 of 4 stars; one submission).

Submission:

Ambry Genetics
Classification: Uncertain significance. Last evaluated: 2025-10-30. Review status: criteria provided, single submitter. Criteria: Ambry Variant Classification Scheme 2023. Collection method: clinical testing. Allele origin: germline.
Comment: The c.949C>T (p.P317S) alteration is located in exon 1 (coding exon 1) of the FAM47A gene. This alteration results from a C to T substitution at nucleotide position 949, causing the proline (P) at amino acid position 317 to be replaced by a serine (S). Based on data from gnomAD, the T allele has an overall frequency of 0.002% (4/202548) total alleles studied. The highest observed frequency was 0.011% (2/17976) of African alleles. Based on insufficient or conflicting evidence, the clinical significance of this alteration remains unclear.